The following is an entry in ClinVar:

NM_000400.4(ERCC2):c.2092C>G (p.Gln698Glu)

Gene: ERCC2 (ERCC excision repair 2, TFIIH core complex helicase subunit; minus strand). Cytogenetic location: 19q13.32.
Variant type: single nucleotide variant.
Coding change: c.2092C>G on transcript NM_000400.4 (MANE Select); coding-DNA position 2092, C replaced by G.
Protein change: p.Gln698Glu; replaces glutamine 698 with glutamic acid.
Molecular consequence: missense variant.
Genome position (GRCh38, 1-based): chr19:45,352,307, G>C on the plus strand (C>G on the coding strand, the complement: ERCC2 is on the minus strand). VCF-style: chr19-45352307-G-C. GRCh37 (hg19) VCF-style: chr19-45855565-G-C.
Other names: short protein forms Q698E.
Identifiers: ClinVar variation 3509856 (VCV003509856.1).

ClinVar aggregate classification (germline): Uncertain significance (1 of 4 stars; one submission).

Conditions:
Inborn genetic diseases. Identifiers: MedGen C0950123, MeSH D030342.

Submission:

Ambry Genetics
Classification: Uncertain significance for Inborn genetic diseases. Last evaluated: 2024-09-02. Review status: criteria provided, single submitter. Criteria: Ambry Variant Classification Scheme 2023. Collection method: clinical testing. Allele origin: germline.
Comment: The p.Q698E variant (also known as c.2092C>G), located in coding exon 22 of the ERCC2 gene, results from a C to G substitution at nucleotide position 2092. The glutamine at codon 698 is replaced by glutamic acid, an amino acid with highly similar properties. This amino acid position is conserved. In addition, the in silico prediction for this alteration is inconclusive. Based on the available evidence, the clinical significance of this variant remains unclear.